The following is an entry in ClinVar:

NM_015512.5(DNAH1):c.2667G>A (p.Met889Ile)

Gene: DNAH1 (dynein axonemal heavy chain 1; plus strand). Cytogenetic location: 3p21.1.
Variant type: single nucleotide variant.
Coding change: c.2667G>A on transcript NM_015512.5 (MANE Select); coding-DNA position 2667, G replaced by A.
Protein change: p.Met889Ile; replaces methionine 889 with isoleucine.
Molecular consequence: missense variant.
Genome position (GRCh38, 1-based): chr3:52,350,528, G>A. VCF-style: chr3-52350528-G-A. GRCh37 (hg19) VCF-style: chr3-52384544-G-A.
Other names: short protein forms M889I.
Identifiers: ClinVar variation 952478 (VCV000952478.4), dbSNP rs1316549411, ClinGen allele CA353104714.

ClinVar aggregate classification (germline): Uncertain significance (1 of 4 stars; one submission).

Conditions:
Spermatogenic failure 18. Identifiers: MedGen C4539783, MONDO:0054615, OMIM 617576.
Ciliary dyskinesia, primary, 37 (CILD37). Also called: CILIARY DYSKINESIA, PRIMARY, 37, WITH OR WITHOUT SITUS INVERSUS. Identifiers: MedGen C4539798, MONDO:0033204, OMIM 617577.

Allele frequency attached by ClinVar (database versions not stated): gnomAD exomes below 0.00001; gnomAD 0.00002; TOPMed 0.00005.
gnomAD v4.1: 7 of 1,613,820 alleles (0.00043%); highest among the groups gnomAD compares: African/African-American, 0.0053%; no homozygotes.

Submission:

Labcorp Genetics (formerly Invitae), Labcorp
Classification: Uncertain significance for Ciliary dyskinesia, primary, 37; Spermatogenic failure 18. Last evaluated: 2022-07-12. Review status: criteria provided, single submitter. Criteria: Invitae Variant Classification Sherloc (09022015). Collection method: clinical testing. Allele origin: germline.
Comment: This sequence change replaces methionine, which is neutral and non-polar, with isoleucine, which is neutral and non-polar, at codon 889 of the DNAH1 protein (p.Met889Ile). This variant is present in population databases (no rsID available, gnomAD 0.008%). This variant has not been reported in the literature in individuals affected with DNAH1-related conditions. ClinVar contains an entry for this variant (Variation ID: 952478). Algorithms developed to predict the effect of missense changes on protein structure and function are either unavailable or do not agree on the potential impact of this missense change (SIFT: "Deleterious"; PolyPhen-2: "Benign"; Align-GVGD: "Class C0"). In summary, the available evidence is currently insufficient to determine the role of this variant in disease. Therefore, it has been classified as a Variant of Uncertain Significance.